The following is an entry in ClinVar:

NM_001378454.1(ALMS1):c.1212dup (p.Lys405Ter)

Gene: ALMS1 (ALMS1 centrosome and basal body associated protein; plus strand). Cytogenetic location: 2p13.1.
Variant type: Duplication.
Coding change: c.1212dup on transcript NM_001378454.1 (MANE Select); coding-DNA position 1212, one base duplicated (T; older notation c.1212dupT).
Protein change: p.Lys405Ter; replaces lysine 405 with a stop codon.
Molecular consequence: nonsense.
Genome position (GRCh38, 1-based): chr2:73,424,877, T duplicated. VCF-style (leftmost placement, unchanged base first): chr2-73424876-C-CT. GRCh37 (hg19) VCF-style: chr2-73652004-C-CT.
Other names: c.1215dup, p.Lys406Ter (NM_015120.4); c.1215dupT (NM_015120.4); short protein forms K406*, K405*.
Identifiers: ClinVar variation 424363 (VCV000424363.2), dbSNP rs1553400785, ClinGen allele CA16617755.

ClinVar aggregate classification (germline): Likely pathogenic (1 of 4 stars; one submission).

Submission:

GeneDx
Classification: Likely pathogenic. Last evaluated: 2017-03-14. Review status: criteria provided, single submitter. Criteria: GeneDx Variant Classification (06012015). Collection method: clinical testing. Allele origin: germline. Affected: yes.
Comment: Although the c.1215dupT likely pathogenic variant in the ALMS1 gene has not been reported to our knowledge, this variant results in a nonsense variant, K406X. This likely pathogenic variant is expected to result in either an abnormal, truncated protein product or loss of protein from this allele through nonsense-mediated mRNA decay. Other loss of function variants in the ALMS1 gene have been reported in Human Gene Mutation Database in association with Alstrom syndrome (Stenson et al., 2014), indicating that this is a mechanism of disease for this gene. Furthermore, the c.1215dupT variant has not been observed in large population cohorts (Lek et al., 2016; 1000 Genomes Consortium et al., 2015; Exome Variant Server).